The following is an entry in ClinVar:

ClinVar aggregate classification (germline): Likely pathogenic (1 of 4 stars; one submission).

Conditions:
Retinitis pigmentosa 12 (RP12). Also called: RP WITH OR WITHOUT PPRPE; RP WITH OR WITHOUT PRESERVED PARAARTERIOLE RETINAL PIGMENT EPITHELIUM; RETINITIS PIGMENTOSA WITH OR WITHOUT PARAARTERIOLAR PRESERVATION OF RETINAL PIGMENT EPITHELIUM. Identifiers: Orphanet 791, MedGen C1838647, MONDO:0010818, OMIM 600105.
Leber congenital amaurosis 8 (LCA8). Identifiers: Orphanet 65, MedGen C3151202, MONDO:0013453, OMIM 613835.

Submission:

Labcorp Genetics (formerly Invitae), Labcorp
Classification: Likely pathogenic for Leber congenital amaurosis 8; Retinitis pigmentosa 12. Last evaluated: 2019-01-30. Review status: criteria provided, single submitter. Criteria: Invitae Variant Classification Sherloc (09022015). Collection method: clinical testing. Allele origin: germline.
Comment: This sequence change affects a donor splice site in intron 1 of the CRB1 gene. It is expected to disrupt RNA splicing and likely results in an absent or disrupted protein product. In summary, the currently available evidence indicates that the variant is pathogenic, but additional data are needed to prove that conclusively. Therefore, this variant has been classified as Likely Pathogenic. Donor and acceptor splice site variants typically lead to a loss of protein function (PMID: 16199547), and loss-of-function variants in CRB1 are known to be pathogenic (PMID: 10508521, 22065545, 23379534, 25412400, 26957898, 28041643, 29391521). Algorithms developed to predict the effect of sequence changes on RNA splicing suggest that this variant may disrupt the consensus splice site, but this prediction has not been confirmed by published transcriptional studies. This variant has not been reported in the literature in individuals with CRB1-related conditions. This variant is not present in population databases (ExAC no frequency).

Literature cited by the submitters: PubMed 16199547; PubMed 10508521; PubMed 22065545; PubMed 23379534; PubMed 25412400; PubMed 26957898; PubMed 28041643; PubMed 29391521.

NM_201253.3(CRB1):c.70+2T>A

Gene: CRB1 (crumbs cell polarity complex component 1; plus strand). Cytogenetic location: 1q31.3.
Variant type: single nucleotide variant.
Coding change: c.70+2T>A on transcript NM_201253.3 (MANE Select); the canonical splice donor site of the intron after coding-DNA position 70, T replaced by A.
Molecular consequence: splice donor variant. On other transcripts: intron variant (1).
Genome position (GRCh38, 1-based): chr1:197,268,484, T>A. VCF-style: chr1-197268484-T-A. GRCh37 (hg19) VCF-style: chr1-197237614-T-A.
Other names: c.-212-33956T>A (NM_001257965.2); c.70+2T>A (NM_001257966.2, NM_001193640.2).
Identifiers: ClinVar variation 842910 (VCV000842910.8), dbSNP rs1654723466, ClinGen allele CA344082568.